The following is an entry in ClinVar:

ClinVar aggregate classification (germline): Uncertain significance (1 of 4 stars; one submission).

Conditions:
Primary ciliary dyskinesia. Also called: Ciliary dyskinesia. Identifiers: Orphanet 244, MedGen C0008780, MONDO:0016575, HP:0012265.

Allele frequency attached by ClinVar (database versions not stated): gnomAD exomes below 0.00001; TOPMed below 0.00001; gnomAD 0.00001.
gnomAD v4.1: 2 of 1,613,530 alleles (0.00012%); highest among the groups gnomAD compares: African/African-American, 0.0027%; no homozygotes.

Submission:

Labcorp Genetics (formerly Invitae), Labcorp
Classification: Uncertain significance for Primary ciliary dyskinesia. Last evaluated: 2023-10-31. Review status: criteria provided, single submitter. Criteria: Invitae Variant Classification Sherloc (09022015). Collection method: clinical testing. Allele origin: germline.
Comment: This sequence change replaces lysine, which is basic and polar, with glutamine, which is neutral and polar, at codon 3647 of the DNAH11 protein (p.Lys3647Gln). This variant is not present in population databases (gnomAD no frequency). This variant has not been reported in the literature in individuals affected with DNAH11-related conditions. Advanced modeling of protein sequence and biophysical properties (such as structural, functional, and spatial information, amino acid conservation, physicochemical variation, residue mobility, and thermodynamic stability) performed at Invitae indicates that this missense variant is not expected to disrupt DNAH11 protein function with a negative predictive value of 95%. In summary, the available evidence is currently insufficient to determine the role of this variant in disease. Therefore, it has been classified as a Variant of Uncertain Significance.

NM_001277115.2(DNAH11):c.10939A>C (p.Lys3647Gln)

Gene: DNAH11 (dynein axonemal heavy chain 11; plus strand). Cytogenetic location: 7p15.3.
Variant type: single nucleotide variant.
Coding change: c.10939A>C on transcript NM_001277115.2 (MANE Select); coding-DNA position 10939, A replaced by C.
Protein change: p.Lys3647Gln; replaces lysine 3647 with glutamine.
Molecular consequence: missense variant.
Genome position (GRCh38, 1-based): chr7:21,852,509, A>C. VCF-style: chr7-21852509-A-C. GRCh37 (hg19) VCF-style: chr7-21892127-A-C.
Other names: c.10960A>C, p.Lys3654Gln (NM_003777.3); short protein forms K3647Q, K3654Q.
Identifiers: ClinVar variation 2698577 (VCV002698577.3), dbSNP rs1216990655, ClinGen allele CA366958932.